The following is an entry in ClinVar:

NM_003238.6(TGFB2):c.1012C>T (p.Pro338Ser)

Gene: TGFB2 (transforming growth factor beta 2; plus strand). Cytogenetic location: 1q41.
Variant type: single nucleotide variant.
Coding change: c.1012C>T on transcript NM_003238.6 (MANE Select); coding-DNA position 1012, C replaced by T.
Protein change: p.Pro338Ser; replaces proline 338 with serine.
Molecular consequence: missense variant. On other transcripts: non-coding transcript variant (2).
Genome position (GRCh38, 1-based): chr1:218,437,422, C>T. VCF-style: chr1-218437422-C-T. GRCh37 (hg19) VCF-style: chr1-218610764-C-T.
Other names: c.1096C>T, p.Pro366Ser (NM_001135599.4); short protein forms P338S, P366S.
Identifiers: ClinVar variation 2566493 (VCV002566493.2), dbSNP rs2102630084, ClinGen allele CA344727571.

ClinVar aggregate classification (germline): Uncertain significance (1 of 4 stars; one submission).

Conditions:
Familial thoracic aortic aneurysm and aortic dissection (TAAD). Also called: Thoracic aortic aneurysms and dissections. Identifiers: Orphanet 91387, MedGen C4707243, MONDO:0019625.

Submission:

Ambry Genetics
Classification: Uncertain significance for Familial thoracic aortic aneurysm and aortic dissection. Last evaluated: 2023-03-31. Review status: criteria provided, single submitter. Criteria: Ambry Variant Classification Scheme 2023. Collection method: clinical testing. Allele origin: germline.
Comment: The p.P338S variant (also known as c.1012C>T), located in coding exon 6 of the TGFB2 gene, results from a C to T substitution at nucleotide position 1012. The proline at codon 338 is replaced by serine, an amino acid with similar properties. This amino acid position is conserved. In addition, this alteration is predicted to be deleterious by in silico analysis. Since supporting evidence is limited at this time, the clinical significance of this alteration remains unclear.